The following is an entry in ClinVar:

NM_001039141.3(TRIOBP):c.3800G>A (p.Arg1267Gln)

Gene: TRIOBP (TRIO and F-actin binding protein; plus strand). Cytogenetic location: 22q13.1.
Variant type: single nucleotide variant.
Coding change: c.3800G>A on transcript NM_001039141.3 (MANE Select); coding-DNA position 3800, G replaced by A.
Protein change: p.Arg1267Gln; replaces arginine 1267 with glutamine.
Molecular consequence: missense variant.
Genome position (GRCh38, 1-based): chr22:37,726,356, G>A. VCF-style: chr22-37726356-G-A. GRCh37 (hg19) VCF-style: chr22-38122363-G-A.
Other names: short protein forms R1267Q.
Identifiers: ClinVar variation 3764168 (VCV003764168.1).

ClinVar aggregate classification (germline): Uncertain significance (1 of 4 stars; one submission).

gnomAD v4.1: 35 of 1,608,502 alleles (0.0022%); highest among the groups gnomAD compares: Middle Eastern, 0.016%; no homozygotes.

Submission:

GeneDx
Classification: Uncertain significance. Last evaluated: 2024-08-20. Review status: criteria provided, single submitter. Criteria: GeneDx Variant Classification Process June 2021. Collection method: clinical testing. Allele origin: germline. Affected: yes.
Comment: Not observed at significant frequency in large population cohorts (gnomAD); In silico analysis indicates that this missense variant does not alter protein structure/function; Has not been previously published as pathogenic or benign to our knowledge